The following is an entry in ClinVar:

NM_080680.3(COL11A2):c.4489_4490delinsGA (p.Pro1497Glu)

Gene: COL11A2 (collagen type XI alpha 2 chain; minus strand). Cytogenetic location: 6p21.32.
Variant type: Indel.
Coding change: c.4489_4490delinsGA on transcript NM_080680.3 (MANE Select); coding-DNA positions 4489 to 4490, CC replaced by GA.
Protein change: p.Pro1497Glu; replaces proline 1497 with glutamic acid.
Molecular consequence: missense variant.
Genome position (GRCh38, 1-based): chr6:33,165,809-33,165,810, GG replaced by TC on the plus strand (CC replaced by GA on the coding strand, the reverse complement: COL11A2 is on the minus strand). VCF-style: chr6-33165809-GG-TC. GRCh37 (hg19) VCF-style: chr6-33133586-GG-TC.
Other names: c.4309_4310delinsGA, p.Pro1437Glu (NM_001424108.1); c.3643_3644delinsGA, p.Pro1215Glu (NM_001424109.1); c.3463_3464delinsGA, p.Pro1155Glu (NM_001424110.1, NM_001424111.1); c.2443_2444delinsGA, p.Pro815Glu (NM_001424112.1); c.4168_4169delinsGA, p.Pro1390Glu (NM_080679.3); c.4231_4232delinsGA, p.Pro1411Glu (NM_080681.3); short protein forms P1155E, P1215E, P1390E, P1411E, P1437E, P1497E, P815E.
Identifiers: ClinVar variation 3381629 (VCV003381629.1).
Genomic context (GRCh38, chr6:33,165,809, plus strand): 5'-TCCACCGAGCGCCGAGTCTTCTTGGGCATCTGAATGGGCAGTGGCTGGATCACCTCGCCT[GG>TC]GGGACCCTGGGTGCAGGGACAGATGGAGAGGGCAAGAGACAAGGTTGGTGTGAGGGTGAA-3'
Protein context (NP_542411.2, residues 1487-1507): VQGPPGHPGP[Pro1497Glu]GEVIQPLPIQ

ClinVar aggregate classification (germline): Uncertain significance (1 of 4 stars; one submission).

Submission:

GeneDx
Classification: Uncertain significance. Last evaluated: 2024-05-20. Review status: criteria provided, single submitter. Criteria: GeneDx Variant Classification Process June 2021. Collection method: clinical testing. Allele origin: germline. Affected: yes.
Comment: Not observed at significant frequency in large population cohorts (gnomAD); In silico analysis supports a deleterious effect on protein structure/function; Has not been previously published as pathogenic or benign to our knowledge